The following is an entry in ClinVar:

NM_015459.5(ATL3):c.668A>G (p.Tyr223Cys)

Genes: LNCROPM (lncRNA regulator of PLAAT3 mediated phospholipid metabolism; plus strand), ATL3 (atlastin GTPase 3; minus strand). Cytogenetic location: 11q13.1.
Variant type: single nucleotide variant.
Coding change: c.668A>G on transcript NM_015459.5 (MANE Select); coding-DNA position 668, A replaced by G.
Protein change: p.Tyr223Cys; replaces tyrosine 223 with cysteine.
Molecular consequence: missense variant.
Genome position (GRCh38, 1-based): chr11:63,644,212, T>C on the plus strand (A>G on the coding strand, the complement: ATL3 is on the minus strand). VCF-style: chr11-63644212-T-C. GRCh37 (hg19) VCF-style: chr11-63411684-T-C.
Other names: c.614A>G, p.Tyr205Cys (NM_001290048.2); short protein forms Y205C, Y223C.
Identifiers: ClinVar variation 657056 (VCV000657056.11), dbSNP rs1377505644, ClinGen allele CA381024598.

ClinVar aggregate classification (germline): Uncertain significance. Review status: criteria provided, multiple submitters, no conflicts (2 of 4 stars). 3 submissions from 3 submitters: Uncertain significance (3). Last evaluated 2024-08-08.

Conditions:
Neuropathy, hereditary sensory, type 1F. Also called: Hereditary sensory neuropathy type IF; HSN IF. Identifiers: Orphanet 36386, MedGen C3810194, MONDO:0014286, OMIM 615632.

Allele frequency attached by ClinVar (database versions not stated): gnomAD exomes 0.00001; TOPMed 0.00001.
gnomAD v4.1: 7 of 1,611,786 alleles (0.00043%); highest among the groups gnomAD compares: Middle Eastern, 0.017%; no homozygotes.

Submissions (3):

Labcorp Genetics (formerly Invitae), Labcorp
Classification: Uncertain significance for Neuropathy, hereditary sensory, type 1F. Last evaluated: 2024-08-08. Review status: criteria provided, single submitter. Criteria: Invitae Variant Classification Sherloc (09022015). Collection method: clinical testing. Allele origin: germline.
Comment: This sequence change replaces tyrosine, which is neutral and polar, with cysteine, which is neutral and slightly polar, at codon 223 of the ATL3 protein (p.Tyr223Cys). This variant is not present in population databases (gnomAD no frequency). This variant has not been reported in the literature in individuals affected with ATL3-related conditions. ClinVar contains an entry for this variant (Variation ID: 657056). Advanced modeling of protein sequence and biophysical properties (such as structural, functional, and spatial information, amino acid conservation, physicochemical variation, residue mobility, and thermodynamic stability) performed at Invitae indicates that this missense variant is expected to disrupt ATL3 protein function with a positive predictive value of 80%. In summary, the available evidence is currently insufficient to determine the role of this variant in disease. Therefore, it has been classified as a Variant of Uncertain Significance.

GeneDx
Classification: Uncertain significance. Last evaluated: 2019-05-03. Review status: criteria provided, single submitter. Criteria: GeneDx Variant Classification Process June 2021. Collection method: clinical testing. Allele origin: germline. Affected: yes.
Comment: Not observed in large population cohorts (Lek et al., 2016); In silico analysis, which includes protein predictors and evolutionary conservation, supports a deleterious effect; Has not been previously published as pathogenic or benign to our knowledge

Breakthrough Genomics
Classification: Uncertain significance. Review status: criteria provided, single submitter. Criteria: ACMG Guidelines, 2015. Collection method: not provided. Allele origin: germline. Inheritance: Autosomal dominant inheritance. Affected: yes.